The following is an entry in ClinVar:

ClinVar aggregate classification (germline): Benign. Review status: criteria provided, multiple submitters, no conflicts (2 of 4 stars). 3 submissions from 3 submitters: Benign (3). Last evaluated 2024-01-24.

Allele frequency attached by ClinVar (database versions not stated): 1000 Genomes Project 0.20068; ExAC 0.22970; gnomAD 0.23236 and 0.23031; ESP Exome Variant Server 0.25142; TOPMed 0.22187; 1000 Genomes Project 30x 0.20159; gnomAD exomes 0.21994.
gnomAD v4.1: 366,310 of 1,563,452 alleles (23%); highest among the groups gnomAD compares: South Asian, 26%; 44,364 homozygotes.

Submissions (10):

Unidad de Genómica Garrahan, Hospital de Pediatría Garrahan
Classification: Benign. Last evaluated: 2024-01-24. Review status: criteria provided, single submitter. Criteria: ACMG Guidelines, 2015. Collection method: clinical testing. Allele origin: germline. Affected: no. Observed: 39 variant alleles.
Comment: This variant is classified as Benign based on local population frequency. This variant was detected in 41% of patients studied by a panel of primary immunodeficiencies. Number of patients: 39. Only high quality variants are reported.

GeneDx
Classification: Benign. Last evaluated: 2019-01-25. Review status: criteria provided, single submitter. Criteria: GeneDx Variant Classification Process June 2021. Collection method: clinical testing. Allele origin: germline. Affected: yes.

Breakthrough Genomics
Classification: Benign. Review status: criteria provided, single submitter. Criteria: ACMG Guidelines, 2015. Collection method: not provided. Allele origin: germline. Inheritance: Autosomal dominant inheritance. Affected: yes.

Dr. Peter K. Rogan Lab, Western University
No classification provided (evidence only). Condition: Malignant lymphoma, large B-cell, diffuse. Review status: no classification provided. Collection method: in vitro. Allele origin: not applicable. Functional consequence: retained intron. Not counted in ClinVar's aggregate classification.

Dr. Peter K. Rogan Lab, Western University
No classification provided (evidence only). Condition: Malignant lymphoma, large B-cell, diffuse. Review status: no classification provided. Collection method: in vitro. Allele origin: not applicable. Functional consequence: retained intron. Not counted in ClinVar's aggregate classification.

Dr. Peter K. Rogan Lab, Western University
No classification provided (evidence only). Condition: Malignant lymphoma, large B-cell, diffuse. Review status: no classification provided. Collection method: in vitro. Allele origin: not applicable. Functional consequence: retained intron. Not counted in ClinVar's aggregate classification.

Dr. Peter K. Rogan Lab, Western University
No classification provided (evidence only). Condition: Malignant lymphoma, large B-cell, diffuse. Review status: no classification provided. Collection method: in vitro. Allele origin: not applicable. Functional consequence: retained intron. Not counted in ClinVar's aggregate classification.

Dr. Peter K. Rogan Lab, Western University
No classification provided (evidence only). Condition: Malignant lymphoma, large B-cell, diffuse. Review status: no classification provided. Collection method: in vitro. Allele origin: not applicable. Functional consequence: retained intron. Not counted in ClinVar's aggregate classification.

Dr. Peter K. Rogan Lab, Western University
No classification provided (evidence only). Condition: Malignant lymphoma, large B-cell, diffuse. Review status: no classification provided. Collection method: in vitro. Allele origin: not applicable. Functional consequence: retained intron. Not counted in ClinVar's aggregate classification.

Dr. Peter K. Rogan Lab, Western University
No classification provided (evidence only). Condition: Germ cell tumor of testis. Review status: no classification provided. Collection method: in vitro. Allele origin: not applicable. Functional consequence: retained intron. Not counted in ClinVar's aggregate classification.

NM_013336.4(SEC61A1):c.617-22A>T

Genes: RUVBL1 (RuvB like AAA ATPase 1; minus strand), SEC61A1 (SEC61 translocon subunit alpha 1; plus strand). Cytogenetic location: 3q21.3.
Variant type: single nucleotide variant.
Coding change: c.617-22A>T on transcript NM_013336.4 (MANE Select); 22 bases into the intron before coding-DNA position 617, A replaced by T.
Molecular consequence: intron variant. On other transcripts: 3 prime UTR variant (1).
Genome position (GRCh38, 1-based): chr3:128,064,855, A>T. VCF-style: chr3-128064855-A-T. GRCh37 (hg19) VCF-style: chr3-127783698-A-T.
Other names: NC_000003.11:g.127783698A>T; c.*357T>A (NM_001319086.1); c.635-22A>T (NM_001400328.1); c.458-22A>T (NM_001400329.1).
Identifiers: ClinVar variation 1183327 (VCV001183327.8), dbSNP rs1044843, ClinGen allele CA2598451.